The following is an entry in ClinVar:

ClinVar aggregate classification (germline): Likely benign. Review status: criteria provided, multiple submitters, no conflicts (2 of 4 stars). 2 submissions from 2 submitters: Likely benign (2). Last evaluated 2025-11-02.

Conditions:
Malignant hyperthermia, susceptibility to, 1 (MHS1). Also called: Anesthesia related hyperthermia; Malignant hyperpyrexia; Fulminating hyperpyrexia; Pharmacogenic myopathy; RYR1-Related Malignant Hyperthermia Susceptibility; Malignant hyperthermia suceptibility 1. Identifiers: Orphanet 423, MedGen C2930980, MONDO:0007783, OMIM 145600.
RYR1-related disorder. Also called: RYR1-related condition; RYR1-related disorders. Identifiers: MedGen CN239331.

Allele frequency attached by ClinVar (database versions not stated): gnomAD exomes below 0.00001; gnomAD 0.00003.
gnomAD v4.1: 6 of 1,613,976 alleles (0.00037%); highest among the groups gnomAD compares: Middle Eastern, 0.083%; no homozygotes.

Submissions (2):

Labcorp Genetics (formerly Invitae), Labcorp
Classification: Likely benign for RYR1-related disorder. Last evaluated: 2025-11-02. Review status: criteria provided, single submitter. Criteria: Invitae Variant Classification Sherloc (09022015). Collection method: clinical testing. Allele origin: germline.

All of Us Research Program, National Institutes of Health
Classification: Likely benign for Malignant hyperthermia, susceptibility to, 1. Last evaluated: 2023-03-23. Review status: criteria provided, single submitter. Criteria: ACMG Guidelines, 2015. Collection method: clinical testing. Allele origin: germline. Inheritance: Autosomal dominant inheritance. Observed: 1 variant allele, 1 heterozygote.
Comment: This study involves interpretation of variants in research participants for the purpose of population health screening. Participant phenotype was not available at the time of variant classification. Additional details can be found in publication PMID: 35346344, PMCID: PMC8962531

NM_000540.3(RYR1):c.14052T>C (p.Phe4684=)

Gene: RYR1 (ryanodine receptor 1; plus strand). Cytogenetic location: 19q13.2.
Variant type: single nucleotide variant.
Coding change: c.14052T>C on transcript NM_000540.3 (MANE Select); coding-DNA position 14052, T replaced by C.
Protein change: p.Phe4684=; no amino-acid change (phenylalanine 4684 retained).
Molecular consequence: synonymous variant.
Genome position (GRCh38, 1-based): chr19:38,573,230, T>C. VCF-style: chr19-38573230-T-C. GRCh37 (hg19) VCF-style: chr19-39063870-T-C.
Other names: c.14037T>C, p.Phe4679= (NM_001042723.2).
Identifiers: ClinVar variation 2052602 (VCV002052602.5), dbSNP rs2145873966, ClinGen allele CA507245154.